The following is an entry in ClinVar:

NM_006662.3(SRCAP):c.6635T>G (p.Met2212Arg)

Gene: SRCAP (Snf2 related CREBBP activator protein; plus strand). Cytogenetic location: 16p11.2.
Variant type: single nucleotide variant.
Coding change: c.6635T>G on transcript NM_006662.3 (MANE Select); coding-DNA position 6635, T replaced by G.
Protein change: p.Met2212Arg; replaces methionine 2212 with arginine.
Molecular consequence: missense variant.
Genome position (GRCh38, 1-based): chr16:30,734,521, T>G. VCF-style: chr16-30734521-T-G. GRCh37 (hg19) VCF-style: chr16-30745842-T-G.
Other names: short protein forms M2212R.
Identifiers: ClinVar variation 3366262 (VCV003366262.1).

ClinVar aggregate classification (germline): Uncertain significance (1 of 4 stars; one submission).

Submission:

GeneDx
Classification: Uncertain significance. Last evaluated: 2023-10-19. Review status: criteria provided, single submitter. Criteria: GeneDx Variant Classification Process June 2021. Collection method: clinical testing. Allele origin: germline. Affected: yes.
Comment: Not observed at significant frequency in large population cohorts (gnomAD); In silico analysis supports that this missense variant has a deleterious effect on protein structure/function; Has not been previously published as pathogenic or benign to our knowledge